The following is an entry in ClinVar:

ClinVar aggregate classification (germline): Likely benign. Review status: criteria provided, single submitter (1 of 4 stars). 2 submissions from 2 submitters: Likely benign (1). 1 of the submissions does not count toward it. Last evaluated 2025-12-11.

Conditions:
LIG1-related disorder. Also called: LIG1-related condition.

Allele frequency attached by ClinVar (database versions not stated): gnomAD exomes 0.00003 and 0.00006; ExAC 0.00008; gnomAD 0.00025; 1000 Genomes Project 30x 0.00031; TOPMed 0.00032; 1000 Genomes Project 0.00040; ESP Exome Variant Server 0.00062.
gnomAD v4.1: 77 of 1,613,620 alleles (0.0048%); highest among the groups gnomAD compares: African/African-American, 0.095%; no homozygotes.

Submissions (2):

Labcorp Genetics (formerly Invitae), Labcorp
Classification: Likely benign. Last evaluated: 2025-12-11. Review status: criteria provided, single submitter. Criteria: Invitae Variant Classification Sherloc (09022015). Collection method: clinical testing. Allele origin: germline.

PreventionGenetics, part of Exact Sciences
Classification: Likely benign for LIG1-related condition. Last evaluated: 2019-10-28. Review status: no assertion criteria provided. Collection method: clinical testing. Allele origin: germline. Not counted in ClinVar's aggregate classification.
Comment: This variant is classified as likely benign based on ACMG/AMP sequence variant interpretation guidelines (Richards et al. 2015 PMID: 25741868, with internal and published modifications).

NM_000234.3(LIG1):c.2292C>T (p.Ala764=)

Gene: LIG1 (DNA ligase 1; minus strand). Cytogenetic location: 19q13.33.
Variant type: single nucleotide variant.
Coding change: c.2292C>T on transcript NM_000234.3 (MANE Select); coding-DNA position 2292, C replaced by T.
Protein change: p.Ala764=; no amino-acid change (alanine 764 retained).
Molecular consequence: synonymous variant. On other transcripts: non-coding transcript variant (6).
Genome position (GRCh38, 1-based): chr19:48,121,263, G>A on the plus strand (C>T on the coding strand, the complement: LIG1 is on the minus strand). VCF-style: chr19-48121263-G-A. GRCh37 (hg19) VCF-style: chr19-48624520-G-A.
Other names: c.2199C>T, p.Ala733= (NM_001289063.2); c.2088C>T, p.Ala696= (NM_001289064.2); c.2289C>T, p.Ala763= (NM_001320970.2); c.2202C>T, p.Ala734= (NM_001320971.2); c.2292C>T (NM_000234.2).
Identifiers: ClinVar variation 1597407 (VCV001597407.10), dbSNP rs369621519, ClinGen allele CA9546469.